The following is an entry in ClinVar:

NM_020987.5(ANK3):c.2876C>G (p.Ser959Cys)

Gene: ANK3 (ankyrin 3; minus strand). Cytogenetic location: 10q21.2.
Variant type: single nucleotide variant.
Coding change: c.2876C>G on transcript NM_020987.5 (MANE Select); coding-DNA position 2876, C replaced by G.
Protein change: p.Ser959Cys; replaces serine 959 with cysteine.
Molecular consequence: missense variant.
Genome position (GRCh38, 1-based): chr10:60,114,297, G>C on the plus strand (C>G on the coding strand, the complement: ANK3 is on the minus strand). VCF-style: chr10-60114297-G-C. GRCh37 (hg19) VCF-style: chr10-61874055-G-C.
Other names: c.278C>G, p.Ser93Cys (NM_001149.4); c.2858C>G, p.Ser953Cys (NM_001204403.2); c.2879C>G, p.Ser960Cys (NM_001204404.2); c.2876C>G, p.Ser959Cys (NM_001320874.2); short protein forms S93C, S953C, S959C, S960C.
Identifiers: ClinVar variation 4975732 (VCV004975732.1).

ClinVar aggregate classification (germline): Uncertain significance (1 of 4 stars; one submission).

Submission:

GeneDx
Classification: Uncertain significance. Last evaluated: 2026-01-27. Review status: criteria provided, single submitter. Criteria: GeneDx Variant Classification Process June 2021. Collection method: clinical testing. Allele origin: germline.
Comment: Not observed at significant frequency in large population cohorts (gnomAD); In silico analysis supports that this missense variant has a deleterious effect on protein structure/function; Has not been previously published as pathogenic or benign to our knowledge